The following is an entry in ClinVar:

ClinVar aggregate classification (germline): Likely benign. Review status: criteria provided, multiple submitters, no conflicts (2 of 4 stars). 3 submissions from 3 submitters: Likely benign (3). Last evaluated 2026-02-04.

Conditions:
Hereditary spastic paraplegia 57. Also called: Spastic paraplegia 57, autosomal recessive. Identifiers: Orphanet 431329, MedGen C3714897, MONDO:0014295, OMIM 615658.
Hereditary motor and sensory neuropathy, Okinawa type (HMSNO). Also called: HEREDITARY MOTOR AND SENSORY NEUROPATHY, PROXIMAL TYPE. Identifiers: Orphanet 90117, MedGen C1858338, MONDO:0011468, OMIM 604484.
TFG-related disorder. Also called: TFG-related condition; TFG-related disorders.

Allele frequency attached by ClinVar (database versions not stated): gnomAD exomes below 0.00001 and 0.00001; ExAC 0.00001; gnomAD 0.00001; TOPMed 0.00001.
gnomAD v4.1: 5 of 1,580,554 alleles (0.00032%); highest among the groups gnomAD compares: Non-Finnish European, 0.00034%; no homozygotes.

Submissions (3):

PreventionGenetics, part of Exact Sciences
Classification: Likely benign for TFG-related condition. Last evaluated: 2026-02-04. Review status: criteria provided, single submitter. Criteria: ACMG Guidelines, 2015. Collection method: clinical testing. Allele origin: germline.
Comment: This variant is classified as likely benign based on ACMG/AMP sequence variant interpretation guidelines (Richards et al. 2015 PMID: 25741868, with internal and published modifications).

Labcorp Genetics (formerly Invitae), Labcorp
Classification: Likely benign for Hereditary motor and sensory neuropathy, Okinawa type; Hereditary spastic paraplegia 57. Last evaluated: 2026-01-15. Review status: criteria provided, single submitter. Criteria: Invitae Variant Classification Sherloc (09022015). Collection method: clinical testing. Allele origin: germline.

CeGaT Center for Human Genetics Tuebingen
Classification: Likely benign. Last evaluated: 2023-02-01. Review status: criteria provided, single submitter. Criteria: CeGaT Center For Human Genetics Tuebingen Variant Classification Criteria Version 2. Collection method: clinical testing. Allele origin: germline. Affected: yes. Observed: 1 variant allele.
Comment: TFG: BP4, BP7

NM_006070.6(TFG):c.213T>C (p.Ser71=)

Gene: TFG (trafficking from ER to golgi regulator; plus strand). Cytogenetic location: 3q12.2.
Variant type: single nucleotide variant.
Coding change: c.213T>C on transcript NM_006070.6 (MANE Select); coding-DNA position 213, T replaced by C.
Protein change: p.Ser71=; no amino-acid change (serine 71 retained).
Molecular consequence: synonymous variant.
Genome position (GRCh38, 1-based): chr3:100,720,003, T>C. VCF-style: chr3-100720003-T-C. GRCh37 (hg19) VCF-style: chr3-100438847-T-C.
Other names: c.213T>C, p.Ser71= (NM_001007565.2, NM_001195478.2, NM_001195479.2); c.213T>C (NM_006070.5).
Identifiers: ClinVar variation 1531432 (VCV001531432.32), dbSNP rs773769795, ClinGen allele CA2517022.